The following is an entry in ClinVar:

ClinVar aggregate classification (germline): Uncertain significance (1 of 4 stars; one submission).

Conditions:
Fanconi anemia (FA). Also called: Fanconi's anemia. Identifiers: Orphanet 84, MedGen C0015625, MeSH D005199, MONDO:0019391.

Submission:

Labcorp Genetics (formerly Invitae), Labcorp
Classification: Uncertain significance for Fanconi anemia. Last evaluated: 2021-06-07. Review status: criteria provided, single submitter. Criteria: Invitae Variant Classification Sherloc (09022015). Collection method: clinical testing. Allele origin: germline.
Comment: This variant is not present in population databases (ExAC no frequency). This variant has not been reported in the literature in individuals with FANCA-related conditions. Nucleotide substitutions within the consensus splice site are a relatively common cause of aberrant splicing (PMID: 17576681, 9536098). Algorithms developed to predict the effect of sequence changes on RNA splicing suggest that this variant may disrupt the consensus splice site, but this prediction has not been confirmed by published transcriptional studies. In summary, the available evidence is currently insufficient to determine the role of this variant in disease. Therefore, it has been classified as a Variant of Uncertain Significance. This sequence change affects codon 542 of the FANCA mRNA. It is a 'silent' change, meaning that it does not change the encoded amino acid sequence of the FANCA protein. This variant also falls at the last nucleotide of exon 17, which is part of the consensus splice site for this exon.

Literature cited by the submitters: PubMed 17576681; PubMed 9536098.

NM_000135.4(FANCA):c.1626G>A (p.Glu542=)

Gene: FANCA (FA complementation group A; minus strand). Cytogenetic location: 16q24.3.
Variant type: single nucleotide variant.
Coding change: c.1626G>A on transcript NM_000135.4 (MANE Select); coding-DNA position 1626, G replaced by A.
Protein change: p.Glu542=; no amino-acid change (glutamic acid 542 retained).
Molecular consequence: synonymous variant.
Genome position (GRCh38, 1-based): chr16:89,782,859, C>T on the plus strand (G>A on the coding strand, the complement: FANCA is on the minus strand). VCF-style: chr16-89782859-C-T. GRCh37 (hg19) VCF-style: chr16-89849267-C-T.
Other names: c.1626G>A, p.Glu542= (NM_001286167.3).
Identifiers: ClinVar variation 1436802 (VCV001436802.6), dbSNP rs2143458860, ClinGen allele CA497190070.